The following is an entry in ClinVar:

ClinVar aggregate classification (germline): Uncertain significance (1 of 4 stars; one submission).

Submission:

Ambry Genetics
Classification: Uncertain significance. Last evaluated: 2023-04-28. Review status: criteria provided, single submitter. Criteria: Ambry Variant Classification Scheme 2023. Collection method: clinical testing. Allele origin: germline.
Comment: The p.S192A variant (also known as c.574T>G), located in coding exon 3 of the GALNT12 gene, results from a T to G substitution at nucleotide position 574. The serine at codon 192 is replaced by alanine, an amino acid with similar properties. This amino acid position is conserved. In addition, this alteration is predicted to be tolerated by in silico analysis. Since supporting evidence is limited at this time, the clinical significance of this alteration remains unclear.

NM_024642.5(GALNT12):c.574T>G (p.Ser192Ala)

Gene: GALNT12 (polypeptide N-acetylgalactosaminyltransferase 12; plus strand). Cytogenetic location: 9q22.33.
Variant type: single nucleotide variant.
Coding change: c.574T>G on transcript NM_024642.5 (MANE Select); coding-DNA position 574, T replaced by G.
Protein change: p.Ser192Ala; replaces serine 192 with alanine.
Molecular consequence: missense variant.
Genome position (GRCh38, 1-based): chr9:98,826,784, T>G. VCF-style: chr9-98826784-T-G. GRCh37 (hg19) VCF-style: chr9-101589066-T-G.
Other names: short protein forms S192A.
Identifiers: ClinVar variation 2566262 (VCV002566262.2), dbSNP rs2490501444, ClinGen allele CA374217357.